The following is an entry in ClinVar:

ClinVar aggregate classification (germline): Uncertain significance. Review status: criteria provided, multiple submitters, no conflicts (2 of 4 stars). 2 submissions from 2 submitters: Uncertain significance (2). Last evaluated 2022-07-19.

Conditions:
Anemia, nonspherocytic hemolytic, due to G6PD deficiency (CNSHA1). Also called: Hemolytic anemia due to G6PD deficiency; Class I glucose-6-phosphate dehydrogenase deficiency; Favism, susceptibility to; ANEMIA, CONGENITAL, NONSPHEROCYTIC HEMOLYTIC, 1. Identifiers: Orphanet 466026, MedGen C2720289, MONDO:0010480, OMIM 300908.

Allele frequency attached by ClinVar (database versions not stated): TOPMed below 0.00001.

Submissions (2):

Mayo Clinic Laboratories, Mayo Clinic
Classification: Uncertain significance. Last evaluated: 2022-07-19. Review status: criteria provided, single submitter. Criteria: ACMG Guidelines, 2015. Collection method: clinical testing. Allele origin: germline. Observed: 1 variant allele.
Comment: PM1, PM2

Labcorp Genetics (formerly Invitae), Labcorp
Classification: Uncertain significance for Anemia, nonspherocytic hemolytic, due to G6PD deficiency. Last evaluated: 2020-08-19. Review status: criteria provided, single submitter. Criteria: Invitae Variant Classification Sherloc (09022015). Collection method: clinical testing. Allele origin: germline.
Comment: This sequence change replaces alanine with serine at codon 277 of the G6PD protein (p.Ala277Ser). The alanine residue is highly conserved and there is a moderate physicochemical difference between alanine and serine. This variant is not present in population databases (ExAC no frequency). This variant has not been reported in the literature in individuals with G6PD-related conditions. Advanced modeling of protein sequence and biophysical properties (such as structural, functional, and spatial information, amino acid conservation, physicochemical variation, residue mobility, and thermodynamic stability) performed at Invitae indicates that this missense variant is expected to disrupt G6PD protein function. In summary, the available evidence is currently insufficient to determine the role of this variant in disease. Therefore, it has been classified as a Variant of Uncertain Significance.

NM_001360016.2(G6PD):c.829G>T (p.Ala277Ser)

Gene: G6PD (glucose-6-phosphate dehydrogenase; minus strand). Cytogenetic location: Xq28.
Variant type: single nucleotide variant.
Coding change: c.829G>T on transcript NM_001360016.2 (MANE Select); coding-DNA position 829, G replaced by T.
Protein change: p.Ala277Ser; replaces alanine 277 with serine.
Molecular consequence: missense variant.
Genome position (GRCh38, 1-based): chrX:154,533,611, C>A on the plus strand (G>T on the coding strand, the complement: G6PD is on the minus strand). VCF-style: chrX-154533611-C-A. GRCh37 (hg19) VCF-style: chrX-153761826-C-A.
Other names: p.Ala277Ser; c.919G>T, p.Ala307Ser (NM_000402.4); c.829G>T, p.Ala277Ser (NM_001042351.3); c.829G>T (NM_001042351.2); short protein forms A277S, A307S.
Identifiers: ClinVar variation 1014718 (VCV001014718.10), dbSNP rs1557230050, ClinGen allele CA415235183.